The following is an entry in ClinVar:

NM_016333.4(SRRM2):c.4583_4584del (p.Val1528fs)

Gene: SRRM2 (serine/arginine repetitive matrix 2; plus strand). Cytogenetic location: 16p13.3.
Variant type: Microsatellite.
Coding change: c.4583_4584del on transcript NM_016333.4 (MANE Select); coding-DNA positions 4583 to 4584, 2 bases deleted (TG; older notation c.4583_4584delTG).
Protein change: p.Val1528fs; shifts the reading frame from valine 1528.
Molecular consequence: frameshift variant.
Genome position (GRCh38, 1-based): chr16:2,765,111-2,765,112, TG deleted; deleting any 2 consecutive bases within chr16:2,765,109-2,765,112 gives the same sequence; the c. name uses the placement nearest the transcript's 3' end. VCF-style (leftmost placement, unchanged base first): chr16-2765108-CTG-C. GRCh37 (hg19) VCF-style: chr16-2815109-CTG-C.
Other names: short protein forms V1528fs.
Identifiers: ClinVar variation 2691869 (VCV002691869.2), dbSNP rs2505609700, ClinGen allele CA2697549677.

ClinVar aggregate classification (germline): Pathogenic (1 of 4 stars; one submission).

Conditions:
Intellectual developmental disorder, autosomal dominant 72 (MRD72). Identifiers: Orphanet 652487, MedGen C5830612, MONDO:0957397, OMIM 620439.

Submission:

Institute of Human Genetics, University of Leipzig Medical Center
Classification: Pathogenic for Intellectual developmental disorder, autosomal dominant 72. Last evaluated: 2023-12-18. Review status: criteria provided, single submitter. Criteria: ACMG Guidelines, 2015. Collection method: clinical testing. Allele origin: de novo. Inheritance: Autosomal dominant inheritance. Affected: yes.
Comment: Criteria applied: PVS1,PS2_MOD,PM2_SUP